The following is an entry in ClinVar:

NM_001814.6(CTSC):c.1303G>T (p.Glu435Ter)

Gene: CTSC (cathepsin C; minus strand). Cytogenetic location: 11q14.2.
Variant type: single nucleotide variant.
Coding change: c.1303G>T on transcript NM_001814.6 (MANE Select); coding-DNA position 1303, G replaced by T.
Protein change: p.Glu435Ter; replaces glutamic acid 435 with a stop codon.
Molecular consequence: nonsense.
Genome position (GRCh38, 1-based): chr11:88,294,095, C>A on the plus strand (G>T on the coding strand, the complement: CTSC is on the minus strand). VCF-style: chr11-88294095-C-A. GRCh37 (hg19) VCF-style: chr11-88027263-C-A.
Other names: c.1303G>T (LRG_50t1); short protein forms E435*.
Identifiers: ClinVar variation 432210 (VCV000432210.2), dbSNP rs1555025770, ClinGen allele CA382021429.

ClinVar aggregate classification (germline): Likely pathogenic (1 of 4 stars; one submission).

Submission:

GeneDx
Classification: Likely pathogenic. Last evaluated: 2017-09-11. Review status: criteria provided, single submitter. Criteria: GeneDx Variant Classification (06012015). Collection method: clinical testing. Allele origin: germline. Affected: yes.
Comment: The E435X nonsense variant in the CTSC gene is predicted to cause loss of normal protein function through protein truncation as the last 29 amino acids of the protein are lost. This variant is not observed in large population cohorts (Lek et al., 2016; 1000 Genomes Consortium et al., 2015; Exome Variant Server). Although this pathogenic variant has not been reported previously to our knowledge, this variant is likely pathogenic; however, the possibility that it is benign cannot be excluded.